The following is an entry in ClinVar:

NM_000350.3(ABCA4):c.3017G>T (p.Gly1006Val)

Gene: ABCA4 (ATP binding cassette subfamily A member 4; minus strand). Cytogenetic location: 1p22.1.
Variant type: single nucleotide variant.
Coding change: c.3017G>T on transcript NM_000350.3 (MANE Select); coding-DNA position 3017, G replaced by T.
Protein change: p.Gly1006Val; replaces glycine 1006 with valine.
Molecular consequence: missense variant.
Genome position (GRCh38, 1-based): chr1:94,044,646, C>A on the plus strand (G>T on the coding strand, the complement: ABCA4 is on the minus strand). VCF-style: chr1-94044646-C-A. GRCh37 (hg19) VCF-style: chr1-94510202-C-A.
Other names: c.2795G>T, p.Gly932Val (NM_001425324.1); short protein forms G1006V, G932V.
Identifiers: ClinVar variation 2135938 (VCV002135938.4), dbSNP rs1660620340, ClinGen allele CA341275085.

ClinVar aggregate classification (germline): Uncertain significance (1 of 4 stars; one submission).

Submission:

Labcorp Genetics (formerly Invitae), Labcorp
Classification: Uncertain significance. Last evaluated: 2022-05-09. Review status: criteria provided, single submitter. Criteria: Invitae Variant Classification Sherloc (09022015). Collection method: clinical testing. Allele origin: germline.
Comment: This sequence change replaces glycine, which is neutral and non-polar, with valine, which is neutral and non-polar, at codon 1006 of the ABCA4 protein (p.Gly1006Val). This variant is not present in population databases (gnomAD no frequency). In summary, the available evidence is currently insufficient to determine the role of this variant in disease. Therefore, it has been classified as a Variant of Uncertain Significance. Advanced modeling of protein sequence and biophysical properties (such as structural, functional, and spatial information, amino acid conservation, physicochemical variation, residue mobility, and thermodynamic stability) performed at Invitae indicates that this missense variant is expected to disrupt ABCA4 protein function. This variant has not been reported in the literature in individuals affected with ABCA4-related conditions.